The following is an entry in ClinVar:

ClinVar aggregate classification (germline): Uncertain significance. Review status: criteria provided, multiple submitters, no conflicts (2 of 4 stars). 2 submissions from 2 submitters: Uncertain significance (2). Last evaluated 2024-07-15.

Conditions:
Dilated cardiomyopathy 1G (CMD1G). Identifiers: Orphanet 154, MedGen C1858763, MONDO:0011400, OMIM 604145.
Autosomal recessive limb-girdle muscular dystrophy type 2J (LGMDR10). Also called: Limb-girdle muscular dystrophy, type 2J; MUSCULAR DYSTROPHY, LIMB-GIRDLE, AUTOSOMAL RECESSIVE 10. Identifiers: Orphanet 140922, MedGen C1837342, MONDO:0012127, OMIM 608807.

Allele frequency attached by ClinVar (database versions not stated): gnomAD exomes below 0.00001.
gnomAD v4.1: 3 of 1,613,364 alleles (0.00019%); highest among the groups gnomAD compares: African/African-American, 0.0013%; no homozygotes.

Submissions (2):

GeneDx
Classification: Uncertain significance. Last evaluated: 2024-07-15. Review status: criteria provided, single submitter. Criteria: GeneDx Variant Classification Process June 2021. Collection method: clinical testing. Allele origin: germline. Affected: yes.
Comment: Not observed at significant frequency in large population cohorts (gnomAD); Missense variant in a gene in which most reported pathogenic variants are truncating/loss of function; Has not been previously published as pathogenic or benign to our knowledge

Labcorp Genetics (formerly Invitae), Labcorp
Classification: Uncertain significance for Dilated cardiomyopathy 1G; Autosomal recessive limb-girdle muscular dystrophy type 2J. Last evaluated: 2016-10-09. Review status: criteria provided, single submitter. Criteria: Invitae Variant Classification Sherloc (09022015). Collection method: clinical testing. Allele origin: germline.

NM_001267550.2(TTN):c.64541C>T (p.Ala21514Val)

Genes: TTN-AS1 (TTN antisense RNA 1; plus strand), TTN (titin; minus strand). Cytogenetic location: 2q31.2.
Variant type: single nucleotide variant.
Coding change: c.64541C>T on transcript NM_001267550.2 (MANE Select); coding-DNA position 64541, C replaced by T.
Protein change: p.Ala21514Val; replaces alanine 21514 with valine.
Molecular consequence: missense variant.
Genome position (GRCh38, 1-based): chr2:178,585,203, G>A on the plus strand (C>T on the coding strand, the complement: TTN is on the minus strand). VCF-style: chr2-178585203-G-A. GRCh37 (hg19) VCF-style: chr2-179449930-G-A.
Other names: c.59618C>T, p.Ala19873Val (NM_001256850.1); c.37346C>T, p.Ala12449Val (NM_003319.4); c.56837C>T, p.Ala18946Val (NM_133378.4); c.37721C>T, p.Ala12574Val (NM_133432.3); c.37922C>T, p.Ala12641Val (NM_133437.4); c.64541C>T (NM_001267550.1); short protein forms A21514V, A12449V, A12574V, A19873V, A12641V, A18946V.
Identifiers: ClinVar variation 404987 (VCV000404987.4), dbSNP rs1060500520, ClinGen allele CA16610414.